The following is an entry in ClinVar:

ClinVar aggregate classification (germline): Pathogenic (1 of 4 stars; one submission).

Submission:

GeneDx
Classification: Pathogenic. Last evaluated: 2019-07-02. Review status: criteria provided, single submitter. Criteria: GeneDx Variant Classification Process June 2021. Collection method: clinical testing. Allele origin: germline. Affected: yes.
Comment: Canonical splice site variant predicted to result in an in-frame deletion of a critical region; Not observed in large population cohorts (Lek et al., 2016); Has not been previously published as pathogenic or benign to our knowledge

NM_001271.4(CHD2):c.2189+1G>T

Gene: CHD2 (chromodomain helicase DNA binding protein 2; plus strand). Cytogenetic location: 15q26.1.
Variant type: single nucleotide variant.
Coding change: c.2189+1G>T on transcript NM_001271.4 (MANE Select); the canonical splice donor site of the intron after coding-DNA position 2189, G replaced by T.
Molecular consequence: splice donor variant.
Genome position (GRCh38, 1-based): chr15:92,967,514, G>T. VCF-style: chr15-92967514-G-T. GRCh37 (hg19) VCF-style: chr15-93510744-G-T.
Identifiers: ClinVar variation 1213090 (VCV001213090.3), dbSNP rs2141830701, ClinGen allele CA393907426.